The following is an entry in ClinVar:

ClinVar aggregate classification (germline): Benign. Review status: criteria provided, multiple submitters, no conflicts (2 of 4 stars). 3 submissions from 3 submitters: Benign (2). 1 of the submissions does not count toward it. Last evaluated 2018-08-14.

Conditions:
MUC16-related disorder. Also called: MUC16-related condition.

Allele frequency attached by ClinVar (database versions not stated): 1000 Genomes Project 0.02276; 1000 Genomes Project 30x 0.02467.

Submissions (3):

Labcorp Genetics (formerly Invitae), Labcorp
Classification: Benign. Last evaluated: 2018-08-14. Review status: criteria provided, single submitter. Criteria: Invitae Variant Classification Sherloc (09022015). Collection method: clinical testing. Allele origin: germline.

Breakthrough Genomics
Classification: Benign. Review status: criteria provided, single submitter. Criteria: ACMG Guidelines, 2015. Collection method: not provided. Allele origin: germline. Inheritance: Unknown mechanism. Affected: yes.

PreventionGenetics, part of Exact Sciences
Classification: Benign for MUC16-related condition. Last evaluated: 2019-10-01. Review status: no assertion criteria provided. Collection method: clinical testing. Allele origin: germline. Not counted in ClinVar's aggregate classification.
Comment: This variant is classified as benign based on ACMG/AMP sequence variant interpretation guidelines (Richards et al. 2015 PMID: 25741868, with internal and published modifications).

NM_001401501.2(MUC16):c.9421G>A (p.Ala3141Thr)

Gene: MUC16 (mucin 16, cell surface associated; minus strand). Cytogenetic location: 19p13.2.
Variant type: single nucleotide variant.
Coding change: c.9421G>A on transcript NM_001401501.2 (MANE Select); coding-DNA position 9421, G replaced by A.
Protein change: p.Ala3141Thr; replaces alanine 3141 with threonine.
Molecular consequence: missense variant.
Genome position (GRCh38, 1-based): chr19:8,971,838, C>T on the plus strand (G>A on the coding strand, the complement: MUC16 is on the minus strand). VCF-style: chr19-8971838-C-T. GRCh37 (hg19) VCF-style: chr19-9082514-C-T.
Other names: c.9847G>A, p.Ala3283Thr (NM_001414686.1); c.9301G>A, p.Ala3101Thr (NM_001414687.1, NM_024690.2); short protein forms A3101T, A3141T, A3283T.
Identifiers: ClinVar variation 781404 (VCV000781404.6), dbSNP rs17000871, ClinGen allele CA9171770.